The following is an entry in ClinVar:

NM_018905.3(PCDHA2):c.2252C>T (p.Ser751Leu)

Genes: PCDHA@ (protocadherin alpha cluster, complex locus; plus strand), PCDHA2 (protocadherin alpha 2; plus strand), PCDHA1 (protocadherin alpha 1; plus strand). Cytogenetic location: 5q31.3.
Variant type: single nucleotide variant.
Coding change: c.2252C>T on transcript NM_018905.3 (MANE Select); coding-DNA position 2252, C replaced by T.
Protein change: p.Ser751Leu; replaces serine 751 with leucine.
Molecular consequence: missense variant. On other transcripts: intron variant (2).
Genome position (GRCh38, 1-based): chr5:140,797,216, C>T. VCF-style: chr5-140797216-C-T. GRCh37 (hg19) VCF-style: chr5-140176801-C-T.
Other names: c.2252C>T, p.Ser751Leu (NM_031495.2, NM_031496.2); c.2394+8532C>T (NM_018900.4); c.1602+9324C>T (NM_031411.3); short protein forms S751L.
Identifiers: ClinVar variation 3347459 (VCV003347459.1).

ClinVar aggregate classification (germline): Likely benign (0 of 4 stars; one submission).

Conditions:
PCDHA2-related disorder. Also called: PCDHA2-related condition.

Submission:

PreventionGenetics, part of Exact Sciences
Classification: Likely benign for PCDHA2-related condition. Last evaluated: 2024-06-10. Review status: no assertion criteria provided. Collection method: clinical testing. Allele origin: germline.
Comment: This variant is classified as likely benign based on ACMG/AMP sequence variant interpretation guidelines (Richards et al. 2015 PMID: 25741868, with internal and published modifications).